The following is an entry in ClinVar:

ClinVar aggregate classification (germline): Uncertain significance (1 of 4 stars; one submission).

Conditions:
Hereditary cancer-predisposing syndrome. Also called: Hereditary Cancer Syndrome; Tumor predisposition; Hereditary neoplastic syndrome; Neoplastic Syndromes, Hereditary. Identifiers: Orphanet 140162, MedGen C0027672, MeSH D009386, MONDO:0015356.

Submission:

Ambry Genetics
Classification: Uncertain significance for Hereditary cancer-predisposing syndrome. Last evaluated: 2024-08-09. Review status: criteria provided, single submitter. Criteria: Ambry Variant Classification Scheme 2023. Collection method: clinical testing. Allele origin: germline.
Comment: The p.C175S variant (also known as c.524G>C), located in coding exon 1 of the MET gene, results from a G to C substitution at nucleotide position 524. The cysteine at codon 175 is replaced by serine, an amino acid with dissimilar properties. This amino acid position is well conserved in available vertebrate species. In addition, the in silico prediction for this alteration is inconclusive. Based on the available evidence, the clinical significance of this variant remains unclear.

NM_000245.4(MET):c.524G>C (p.Cys175Ser)

Gene: MET (MET proto-oncogene, receptor tyrosine kinase; plus strand). Cytogenetic location: 7q31.2.
Variant type: single nucleotide variant.
Coding change: c.524G>C on transcript NM_000245.4 (MANE Select); coding-DNA position 524, G replaced by C.
Protein change: p.Cys175Ser; replaces cysteine 175 with serine.
Molecular consequence: missense variant. On other transcripts: intron variant (1).
Genome position (GRCh38, 1-based): chr7:116,699,608, G>C. VCF-style: chr7-116699608-G-C. GRCh37 (hg19) VCF-style: chr7-116339662-G-C.
Other names: c.524G>C, p.Cys175Ser (NM_001127500.3, NM_001324401.3); c.-91+27031G>C (NM_001324402.2); short protein forms C175S.
Identifiers: ClinVar variation 3395117 (VCV003395117.1).